The following is an entry in ClinVar:

ClinVar aggregate classification (germline): Uncertain significance (1 of 4 stars; one submission).

Submission:

CeGaT Center for Human Genetics Tuebingen
Classification: Uncertain significance. Last evaluated: 2024-03-01. Review status: criteria provided, single submitter. Criteria: CeGaT Center For Human Genetics Tuebingen Variant Classification Criteria Version 2. Collection method: clinical testing. Allele origin: germline. Affected: yes. Observed: 1 variant allele.
Comment: DSCAML1: PM2, PS2:Supporting

NM_020693.4(DSCAML1):c.3551T>A (p.Ile1184Asn)

Gene: DSCAML1 (DS cell adhesion molecule like 1; minus strand). Cytogenetic location: 11q23.3.
Variant type: single nucleotide variant.
Coding change: c.3551T>A on transcript NM_020693.4 (MANE Select); coding-DNA position 3551, T replaced by A.
Protein change: p.Ile1184Asn; replaces isoleucine 1184 with asparagine.
Molecular consequence: missense variant.
Genome position (GRCh38, 1-based): chr11:117,458,771, A>T on the plus strand (T>A on the coding strand, the complement: DSCAML1 is on the minus strand). VCF-style: chr11-117458771-A-T. GRCh37 (hg19) VCF-style: chr11-117329487-A-T.
Other names: short protein forms I1184N.
Identifiers: ClinVar variation 3067785 (VCV003067785.21), dbSNP rs2543084362, ClinGen allele CA382733861.